The following is an entry in ClinVar:

ClinVar aggregate classification (germline): Likely benign (1 of 4 stars; one submission).

gnomAD v4.1: 2,078 of 1,613,572 alleles (0.13%); highest among the groups gnomAD compares: Non-Finnish European, 0.15%; 2 homozygotes.

Submission:

CeGaT Center for Human Genetics Tuebingen
Classification: Likely benign. Last evaluated: 2026-04-01. Review status: criteria provided, single submitter. Criteria: CeGaT Center For Human Genetics Tuebingen Variant Classification Criteria Version 2. Collection method: clinical testing. Allele origin: germline. Affected: yes. Observed: 1 variant allele.
Comment: BAZ2B: BP4, BP7

NM_013450.4(BAZ2B):c.3567A>G (p.Gly1189=)

Gene: BAZ2B (bromodomain adjacent to zinc finger domain 2B; minus strand). Cytogenetic location: 2q24.2.
Variant type: single nucleotide variant.
Coding change: c.3567A>G on transcript NM_013450.4 (MANE Select); coding-DNA position 3567, A replaced by G.
Protein change: p.Gly1189=; no amino-acid change (glycine 1189 retained).
Molecular consequence: synonymous variant.
Genome position (GRCh38, 1-based): chr2:159,385,274, T>C on the plus strand (A>G on the coding strand, the complement: BAZ2B is on the minus strand). VCF-style: chr2-159385274-T-C. GRCh37 (hg19) VCF-style: chr2-160241785-T-C.
Other names: c.3459A>G, p.Gly1153= (NM_001289975.1); c.3405A>G, p.Gly1135= (NM_001329857.2); c.3492A>G, p.Gly1164= (NM_001329858.2).
Identifiers: ClinVar variation 4872179 (VCV004872179.2).